The following is an entry in ClinVar:

NM_000283.4(PDE6B):c.711+10C>T

Gene: PDE6B (phosphodiesterase 6B; plus strand). Cytogenetic location: 4p16.3.
Variant type: single nucleotide variant.
Coding change: c.711+10C>T on transcript NM_000283.4 (MANE Select); 10 bases into the intron after coding-DNA position 711, C replaced by T.
Molecular consequence: intron variant.
Genome position (GRCh38, 1-based): chr4:635,979, C>T. VCF-style: chr4-635979-C-T. GRCh37 (hg19) VCF-style: chr4-629768-C-T.
Other names: c.711+10C>T (NM_001145291.2).
Identifiers: ClinVar variation 138638 (VCV000138638.20), dbSNP rs201100689, ClinGen allele CA292713.

ClinVar aggregate classification (germline): Conflicting classifications of pathogenicity. Review status: criteria provided, conflicting classifications (1 of 4 stars). 6 submissions from 5 submitters: Uncertain significance (1); Benign (4); Likely benign (1). Last evaluated 2026-01-29.

Conditions:
Retinitis pigmentosa (RP). Identifiers: Orphanet 791, MedGen C0035334, MeSH D012174, MONDO:0019200, OMIM 268000. Inheritance: Autosomal dominant, autosomal recessive and X linked inheritance.
Congenital stationary night blindness autosomal dominant 2. Also called: NIGHT BLINDNESS, CONGENITAL STATIONARY, RAMBUSCH TYPE. Identifiers: Orphanet 215, MedGen C1876182, MONDO:0008099, OMIM 163500.

Allele frequency attached by ClinVar (database versions not stated): 1000 Genomes Project 0.00160; 1000 Genomes Project 30x 0.00172; TOPMed 0.00230; gnomAD 0.00234 and 0.00237; ExAC 0.00276; ESP Exome Variant Server 0.00315.
gnomAD v4.1: 5,474 of 1,530,398 alleles (0.36%); highest among the groups gnomAD compares: Non-Finnish European, 0.46%; 10 homozygotes.

Submissions (6):

Labcorp Genetics (formerly Invitae), Labcorp
Classification: Benign. Last evaluated: 2026-01-29. Review status: criteria provided, single submitter. Criteria: Invitae Variant Classification Sherloc (09022015). Collection method: clinical testing. Allele origin: germline.

Blueprint Genetics
Classification: Likely benign. Last evaluated: 2024-11-14. Review status: criteria provided, single submitter. Criteria: ACMG Guidelines, 2015. Collection method: clinical testing. Allele origin: germline.

Illumina Laboratory Services, Illumina
Classification: Uncertain significance for Retinitis pigmentosa. Last evaluated: 2018-01-13. Review status: criteria provided, single submitter. Criteria: ICSL Variant Classification Criteria 13 December 2019. Collection method: clinical testing. Allele origin: germline.

Illumina Laboratory Services, Illumina
Classification: Benign for Congenital stationary night blindness autosomal dominant 2. Last evaluated: 2018-01-13. Review status: criteria provided, single submitter. Criteria: ICSL Variant Classification Criteria 13 December 2019. Collection method: clinical testing. Allele origin: germline.
Comment: This variant was observed in the ICSL laboratory as part of a predisposition screen in an ostensibly healthy population. It had not been previously curated by ICSL or reported in the Human Gene Mutation Database (HGMD: prior to June 1st, 2018), and was therefore a candidate for classification through an automated scoring system. Utilizing variant allele frequency, disease prevalence and penetrance estimates, and inheritance mode, an automated score was calculated to assess if this variant is too frequent to cause the disease. Based on the score and internal cut-off values, a variant classified as benign is not then subjected to further curation. The score for this variant resulted in a classification of benign for this disease.

Eurofins Ntd Llc (ga)
Classification: Benign. Last evaluated: 2016-06-07. Review status: criteria provided, single submitter. Criteria: EGL Classification Definitions 2015. Collection method: clinical testing. Allele origin: germline. Observed: 1 variant allele, 1 heterozygote.

GeneDx
Classification: Benign. Last evaluated: 2011-07-05. Review status: criteria provided, single submitter. Criteria: GeneDx Variant Classification (06012015). Collection method: clinical testing. Allele origin: germline. Affected: yes.
Comment: This variant is considered likely benign or benign based on one or more of the following criteria: it is a conservative change, it occurs at a poorly conserved position in the protein, it is predicted to be benign by multiple in silico algorithms, and/or has population frequency not consistent with disease.